The following is an entry in ClinVar:

NM_000210.4(ITGA6):c.835G>C (p.Gly279Arg)

Genes: ITGA6 (integrin subunit alpha 6; plus strand), PDK1-AS1 (PDK1 and ITGA6 antisense RNA 1; minus strand). Cytogenetic location: 2q31.1.
Variant type: single nucleotide variant.
Coding change: c.835G>C on transcript NM_000210.4 (MANE Select); coding-DNA position 835, G replaced by C.
Protein change: p.Gly279Arg; replaces glycine 279 with arginine.
Molecular consequence: missense variant.
Genome position (GRCh38, 1-based): chr2:172,474,114, G>C. VCF-style: chr2-172474114-G-C. GRCh37 (hg19) VCF-style: chr2-173338842-G-C.
Other names: c.835G>C, p.Gly279Arg (NM_001079818.3, NM_001365529.2, NM_001365530.2); c.478G>C, p.Gly160Arg (NM_001316306.2); c.835G>C (NM_001079818.1); short protein forms G160R, G279R.
Identifiers: ClinVar variation 1028614 (VCV001028614.2), dbSNP rs1686059928, ClinGen allele CA349307524.
Genomic context (GRCh38, chr2:172,474,114, plus strand): 5'-GGTTTTTCTTTGGACTCAGGGAAAGGTATTGTTTCTAAAGATGAGATCACTTTTGTATCT[G>C]GTGCTCCCAGAGCCAATCACAGTGGAGCCGTGGTTTTGCTGAAGAGAGACATGAAGTCTG-3'
Protein context (NP_000201.2, residues 269-289): VSKDEITFVS[Gly279Arg]APRANHSGAV

ClinVar aggregate classification (germline): Uncertain significance. Review status: criteria provided, multiple submitters, no conflicts (2 of 4 stars). 2 submissions from 2 submitters: Uncertain significance (2). Last evaluated 2023-11-15.

Conditions:
Junctional epidermolysis bullosa with pyloric atresia. Also called: ITGB4-Related Epidermolysis Bullosa with Pyloric Atresia; ITGA6-Related Epidermolysis Bullosa with Pyloric Atresia; Junctional Epidermolysis Bullosa- Pyloric Atresia Syndrome; EB-PA-ACC; Epidermolysis bullosa, junctional, with pyloric atresia and aplasia cutis congenita; Epidermolysis bullosa junctionalis with pyloric atresia. Identifiers: Orphanet 79403, MedGen C5676875, MONDO:0009183, OMIM 226730.

Submissions (2):

GeneDx
Classification: Uncertain significance. Last evaluated: 2023-11-15. Review status: criteria provided, single submitter. Criteria: GeneDx Variant Classification Process June 2021. Collection method: clinical testing. Allele origin: germline. Affected: yes.
Comment: Has not been previously published as pathogenic or benign to our knowledge; Not observed at significant frequency in large population cohorts (gnomAD); In silico analysis supports that this missense variant has a deleterious effect on protein structure/function, and suggests this variant may impact gene splicing; in the absence of RNA/functional studies, the actual effect of this sequence change is unknown

Baylor Genetics
Classification: Uncertain significance for Junctional epidermolysis bullosa with pyloric atresia. Last evaluated: 2019-06-28. Review status: criteria provided, single submitter. Criteria: ACMG Guidelines, 2015. Collection method: clinical testing. Allele origin: unknown. Affected: yes.
Comment: This variant was determined to be of uncertain significance according to ACMG Guidelines, 2015 [PMID:25741868].